The following is an entry in ClinVar:

NM_001374259.2(IL12RB2):c.1706C>G (p.Pro569Arg)

Gene: IL12RB2 (interleukin 12 receptor subunit beta 2; plus strand). Cytogenetic location: 1p31.3.
Variant type: single nucleotide variant.
Coding change: c.1706C>G on transcript NM_001374259.2 (MANE Select); coding-DNA position 1706, C replaced by G.
Protein change: p.Pro569Arg; replaces proline 569 with arginine.
Molecular consequence: missense variant. On other transcripts: non-coding transcript variant (1), intron variant (1).
Genome position (GRCh38, 1-based): chr1:67,372,772, C>G. VCF-style: chr1-67372772-C-G. GRCh37 (hg19) VCF-style: chr1-67838455-C-G.
Other names: c.1706C>G, p.Pro569Arg (NM_001258214.1, NM_001258216.1, NM_001319233.1 and 1 more transcripts); c.1459+4747C>G (NM_001258215.1); short protein forms P569R.
Identifiers: ClinVar variation 2805052 (VCV002805052.3), dbSNP rs1663512431, ClinGen allele CA340730314.

ClinVar aggregate classification (germline): Uncertain significance (1 of 4 stars; one submission).

Allele frequency attached by ClinVar (database versions not stated): gnomAD exomes 0.00001.
gnomAD v4.1: 11 of 1,607,626 alleles (0.00068%); highest among the groups gnomAD compares: Non-Finnish European, 0.00094%; no homozygotes.

Submission:

Labcorp Genetics (formerly Invitae), Labcorp
Classification: Uncertain significance. Last evaluated: 2023-02-08. Review status: criteria provided, single submitter. Criteria: Invitae Variant Classification Sherloc (09022015). Collection method: clinical testing. Allele origin: germline.
Comment: This variant has not been reported in the literature in individuals affected with IL12RB2-related conditions. This variant is not present in population databases (gnomAD no frequency). This sequence change replaces proline, which is neutral and non-polar, with arginine, which is basic and polar, at codon 569 of the IL12RB2 protein (p.Pro569Arg). Algorithms developed to predict the effect of missense changes on protein structure and function are either unavailable or do not agree on the potential impact of this missense change (SIFT: "Tolerated"; PolyPhen-2: "Probably Damaging"; Align-GVGD: "Class C25"). In summary, the available evidence is currently insufficient to determine the role of this variant in disease. Therefore, it has been classified as a Variant of Uncertain Significance.